The following is an entry in ClinVar:

NM_134261.3(RORA):c.206A>G (p.Glu69Gly)

Genes: RORA (RAR related orphan receptor A; minus strand), RORA-AS1 (RORA antisense RNA 1; plus strand). Cytogenetic location: 15q22.2.
Variant type: single nucleotide variant.
Coding change: c.206A>G on transcript NM_134261.3 (MANE Select); coding-DNA position 206, A replaced by G.
Protein change: p.Glu69Gly; replaces glutamic acid 69 with glycine.
Molecular consequence: missense variant.
Genome position (GRCh38, 1-based): chr15:60,531,842, T>C on the plus strand (A>G on the coding strand, the complement: RORA is on the minus strand). VCF-style: chr15-60531842-T-C. GRCh37 (hg19) VCF-style: chr15-60824041-T-C.
Other names: c.281A>G, p.Glu94Gly (NM_002943.4); c.305A>G, p.Glu102Gly (NM_134260.3); c.41A>G, p.Glu14Gly (NM_134262.3); short protein forms E94G, E69G, E102G, E14G.
Identifiers: ClinVar variation 5028380 (VCV005028380.1).
Genomic context (GRCh38, chr15:60,531,842, plus strand): 5'-GTAATGACACCATAATGGATTCCTGATGATTTGTCTCCACAGATCTTGCATGGAATAATT[T>C]CAATTTGAGCTGCAACAGAAGCACGCAACCAGTTAATTACATTTTCTTTTAAACACCTTA-3'
Protein context (NP_599023.1, residues 59-79): VTKKTHTSQI[Glu69Gly]IIPCKICGDK

ClinVar aggregate classification (germline): Uncertain significance (1 of 4 stars; one submission).

Conditions:
Inborn genetic diseases. Identifiers: MedGen C0950123, MeSH D030342.

Submission:

Ambry Genetics
Classification: Uncertain significance for Inborn genetic diseases. Last evaluated: 2026-09-14. Review status: criteria provided, single submitter. Criteria: Ambry Variant Classification Scheme 2023. Collection method: clinical testing. Allele origin: germline.
Comment: The c.305A>G (p.E102G) alteration is located in exon 4 (coding exon 4) of the RORA gene. This alteration results from an A to G substitution at nucleotide position 305, causing the glutamic acid (E) at amino acid position 102 to be replaced by a glycine (G). This variant was not reported in population-based cohorts in the Genome Aggregation Database (gnomAD). This amino acid position is highly conserved in available vertebrate species. This missense variant is located in a region that has a low rate of benign missense variation (Lek, 2016; Firth, 2009). This alteration is predicted to be deleterious by in silico analysis. Based on insufficient or conflicting evidence, the clinical significance of this alteration remains unclear.